The following is an entry in ClinVar:

ClinVar aggregate classification (germline): Uncertain significance (1 of 4 stars; one submission).

Conditions:
Renal carnitine transport defect (CDSP). Also called: CARNITINE DEFICIENCY, SYSTEMIC, DUE TO DEFECT IN RENAL REABSORPTION OF CARNITINE; CARNITINE TRANSPORTER, PLASMA-MEMBRANE, DEFICIENCY OF; CARNITINE UPTAKE DEFECT; Systemic primary carnitine deficiency; Carnitine transporter deficiency; Carnitine Deficiency, Systemic. Identifiers: Orphanet 158, MedGen C0342788, MONDO:0008919, OMIM 212140.

Submission:

Labcorp Genetics (formerly Invitae), Labcorp
Classification: Uncertain significance for Renal carnitine transport defect. Last evaluated: 2022-03-25. Review status: criteria provided, single submitter. Criteria: Invitae Variant Classification Sherloc (09022015). Collection method: clinical testing. Allele origin: germline.
Comment: In summary, the available evidence is currently insufficient to determine the role of this variant in disease. Therefore, it has been classified as a Variant of Uncertain Significance. Advanced modeling of protein sequence and biophysical properties (such as structural, functional, and spatial information, amino acid conservation, physicochemical variation, residue mobility, and thermodynamic stability) performed at Invitae indicates that this missense variant is expected to disrupt SLC22A5 protein function. This variant has not been reported in the literature in individuals affected with SLC22A5-related conditions. This variant is not present in population databases (gnomAD no frequency). This sequence change replaces glycine, which is neutral and non-polar, with arginine, which is basic and polar, at codon 96 of the SLC22A5 protein (p.Gly96Arg).

NM_003060.4(SLC22A5):c.286G>A (p.Gly96Arg)

Gene: SLC22A5 (solute carrier family 22 member 5; plus strand). Cytogenetic location: 5q31.1.
Variant type: single nucleotide variant.
Coding change: c.286G>A on transcript NM_003060.4 (MANE Select); coding-DNA position 286, G replaced by A.
Protein change: p.Gly96Arg; replaces glycine 96 with arginine.
Molecular consequence: missense variant.
Genome position (GRCh38, 1-based): chr5:132,370,258, G>A. VCF-style: chr5-132370258-G-A. GRCh37 (hg19) VCF-style: chr5-131705950-G-A.
Other names: c.286G>A, p.Gly96Arg (NM_001308122.2); short protein forms G96R.
Identifiers: ClinVar variation 2116696 (VCV002116696.4), dbSNP rs938693408, ClinGen allele CA127196694.